The following is an entry in ClinVar:

ClinVar aggregate classification (germline): Likely pathogenic (1 of 4 stars; one submission).

Allele frequency attached by ClinVar (database versions not stated): gnomAD exomes below 0.00001; ExAC 0.00001.
gnomAD v4.1: 4 of 1,612,432 alleles (0.00025%); highest among the groups gnomAD compares: South Asian, 0.0011%; no homozygotes.

Submission:

Labcorp Genetics (formerly Invitae), Labcorp
Classification: Likely pathogenic. Last evaluated: 2023-01-15. Review status: criteria provided, single submitter. Criteria: Invitae Variant Classification Sherloc (09022015). Collection method: clinical testing. Allele origin: germline.
Comment: In summary, the currently available evidence indicates that the variant is pathogenic, but additional data are needed to prove that conclusively. Therefore, this variant has been classified as Likely Pathogenic. This variant disrupts the p.Ile1468 amino acid residue in SCN3A. Other variant(s) that disrupt this residue have been determined to be pathogenic (PMID: 32515017). This suggests that this residue is clinically significant, and that variants that disrupt this residue are likely to be disease-causing. Advanced modeling of protein sequence and biophysical properties (such as structural, functional, and spatial information, amino acid conservation, physicochemical variation, residue mobility, and thermodynamic stability) performed at Invitae indicates that this missense variant is expected to disrupt SCN3A protein function. This variant has not been reported in the literature in individuals affected with SCN3A-related conditions. This variant is present in population databases (rs755159935, gnomAD 0.003%). This sequence change replaces isoleucine, which is neutral and non-polar, with threonine, which is neutral and polar, at codon 1468 of the SCN3A protein (p.Ile1468Thr).

Literature cited by the submitters: PubMed 32515017.

NM_006922.4(SCN3A):c.4403T>C (p.Ile1468Thr)

Gene: SCN3A (sodium voltage-gated channel alpha subunit 3; minus strand). Cytogenetic location: 2q24.3.
Variant type: single nucleotide variant.
Coding change: c.4403T>C on transcript NM_006922.4 (MANE Select); coding-DNA position 4403, T replaced by C.
Protein change: p.Ile1468Thr; replaces isoleucine 1468 with threonine.
Molecular consequence: missense variant.
Genome position (GRCh38, 1-based): chr2:165,095,539, A>G on the plus strand (T>C on the coding strand, the complement: SCN3A is on the minus strand). VCF-style: chr2-165095539-A-G. GRCh37 (hg19) VCF-style: chr2-165952049-A-G.
Other names: c.4256T>C, p.Ile1419Thr (NM_001081676.2, NM_001081677.2); short protein forms I1419T, I1468T.
Identifiers: ClinVar variation 2790904 (VCV002790904.3), dbSNP rs755159935, ClinGen allele CA1938577.